The following is an entry in ClinVar:

NM_002227.4(JAK1):c.1078C>T (p.Arg360Trp)

Gene: JAK1 (Janus kinase 1; minus strand). Cytogenetic location: 1p31.3.
Variant type: single nucleotide variant.
Coding change: c.1078C>T on transcript NM_002227.4 (MANE Select); coding-DNA position 1078, C replaced by T.
Protein change: p.Arg360Trp; replaces arginine 360 with tryptophan.
Molecular consequence: missense variant.
Genome position (GRCh38, 1-based): chr1:64,864,885, G>A on the plus strand (C>T on the coding strand, the complement: JAK1 is on the minus strand). VCF-style: chr1-64864885-G-A. GRCh37 (hg19) VCF-style: chr1-65330568-G-A.
Other names: p.Arg360Trp; c.1078C>T, p.Arg360Trp (NM_001320923.2, NM_001321852.2, NM_001321853.2 and 4 more transcripts); short protein forms R360W.
Identifiers: ClinVar variation 134549 (VCV000134549.9), dbSNP rs200049537, ClinGen allele CA160154.
Genomic context (GRCh38, chr1:64,864,885, plus strand): 5'-ACTCCTTTATTACAATGTGAGTGATTTCAGGGAAGTAAGAAAAATTGTTCCACTCTTCCC[G>A]GATCTTGTTTTTCTCCTCATCCTTCTTGTGTTTATTTTCCAGTTTTTTCCGCTTCAGTTT-3'
Protein context (NP_002218.2, residues 350-370): HKKDEEKNKI[Arg360Trp]EEWNNFSYFP

ClinVar aggregate classification (germline): Uncertain significance. Review status: criteria provided, multiple submitters, no conflicts (2 of 4 stars). 4 submissions from 4 submitters: Uncertain significance (3). 1 of the submissions does not count toward it. Last evaluated 2026-01-07.

Conditions:
Autoinflammation, immune dysregulation, and eosinophilia. Also called: ATOPIC DERMATITIS, ENTERITIS, COLITIS, AND EOSINOPHILIA. Identifiers: MedGen C5436572, MONDO:0033558, OMIM 618999.

Allele frequency attached by ClinVar (database versions not stated): TOPMed 0.00005; ESP Exome Variant Server 0.00008; ExAC 0.00012; gnomAD exomes 0.00014; 1000 Genomes Project 30x 0.00016; 1000 Genomes Project 0.00020.
gnomAD v4.1: 224 of 1,613,586 alleles (0.014%); highest among the groups gnomAD compares: Non-Finnish European, 0.017%; no homozygotes.

Submissions (4):

Labcorp Genetics (formerly Invitae), Labcorp
Classification: Uncertain significance. Last evaluated: 2026-01-07. Review status: criteria provided, single submitter. Criteria: Invitae Variant Classification Sherloc (09022015). Collection method: clinical testing. Allele origin: germline.
Comment: This sequence change replaces arginine, which is basic and polar, with tryptophan, which is neutral and slightly polar, at codon 360 of the JAK1 protein (p.Arg360Trp). This variant is present in population databases (rs200049537, gnomAD 0.03%). This variant has not been reported in the literature in individuals affected with JAK1-related conditions. ClinVar contains an entry for this variant (Variation ID: 134549). Experimental studies and prediction algorithms are not available or were not evaluated, and the functional significance of this variant is currently unknown. In summary, the available evidence is currently insufficient to determine the role of this variant in disease. Therefore, it has been classified as a Variant of Uncertain Significance.

Mayo Clinic Laboratories, Mayo Clinic
Classification: Uncertain significance. Last evaluated: 2024-06-24. Review status: criteria provided, single submitter. Criteria: ACMG Guidelines, 2015. Collection method: clinical testing. Allele origin: germline. Observed: 1 variant allele.
Comment: BP4

Fulgent Genetics
Classification: Uncertain significance for Autoinflammation, immune dysregulation, and eosinophilia. Last evaluated: 2022-05-07. Review status: criteria provided, single submitter. Criteria: ACMG Guidelines, 2015. Collection method: clinical testing. Allele origin: unknown.

ITMI
No classification provided. Condition: AllHighlyPenetrant. Last evaluated: 2013-09-19. Review status: no classification provided. Collection method: reference population. Allele origin: germline. Not counted in ClinVar's aggregate classification.
Comment: Please see associated publication for description of ethnicities

Literature cited by the submitters: PubMed 24728327 (cited by ITMI).